The following is an entry in ClinVar:

ClinVar aggregate classification (germline): Pathogenic (1 of 4 stars; one submission).

Submission:

GeneDx
Classification: Pathogenic. Last evaluated: 2018-05-22. Review status: criteria provided, single submitter. Criteria: GeneDx Variant Classification (06012015). Collection method: clinical testing. Allele origin: germline. Affected: yes.
Comment: The G539S variant has not been published as a pathogenic variant, nor has it been reported as a benign variant to our knowledge. G539S occurs in the triple helical domain and replaces the Glycine in the canonical Gly-X-Y repeat. Variants in these Glycines result in poor winding of the collagen triple helix and a less functional protein.The G539S variant is not observed in large population cohorts (Lek et al., 2016). The G539S variant is a non-conservative amino acid substitution, which is likely to impact secondary protein structure as these residues differ in polarity, charge, size and/or other properties. In-silico analyses, including protein predictors and evolutionary conservation, support a deleterious effect. Missense variants in nearby Glycine residues (G533D, G548A) have been reported in the Human Gene Mutation Database in association with COL1A1-related disorders (Stenson et al., 2014), supporting the functional importance of this region of the protein. We classify G539S as a pathogenic variant.

NM_000088.4(COL1A1):c.1615G>A (p.Gly539Ser)

Gene: COL1A1 (collagen type I alpha 1 chain; minus strand). Cytogenetic location: 17q21.33.
Variant type: single nucleotide variant.
Coding change: c.1615G>A on transcript NM_000088.4 (MANE Select); coding-DNA position 1615, G replaced by A.
Protein change: p.Gly539Ser; replaces glycine 539 with serine.
Molecular consequence: missense variant.
Genome position (GRCh38, 1-based): chr17:50,194,183, C>T on the plus strand (G>A on the coding strand, the complement: COL1A1 is on the minus strand). VCF-style: chr17-50194183-C-T. GRCh37 (hg19) VCF-style: chr17-48271544-C-T.
Other names: short protein forms G539S.
Identifiers: ClinVar variation 546498 (VCV000546498.2), dbSNP rs1555573699, ClinGen allele CA400216143.
Genomic context (GRCh38, chr17:50,194,183, plus strand): 5'-TACTTACAGGGGGGCCAGTTTTGCCATCAGGACCAGGGCTGCCAGGGCTTCCAGTCAGAC[C>T]CTAGGGAGGCAGAGAGGTATGAGTGGGACTTGGGGAGAAGCATGATGGAGGTGGGGGAGG-3'
Protein context (NP_000079.2, residues 529-549): PGEAGLPGAK[Gly539Ser]LTGSPGSPGP